The following is an entry in ClinVar:

ClinVar aggregate classification (germline): Likely benign (1 of 4 stars; one submission).

gnomAD v4.1: 15 of 1,611,356 alleles (0.00093%); highest among the groups gnomAD compares: Admixed American, 0.0017%; no homozygotes.

Submission:

CeGaT Center for Human Genetics Tuebingen
Classification: Likely benign. Last evaluated: 2025-08-01. Review status: criteria provided, single submitter. Criteria: CeGaT Center For Human Genetics Tuebingen Variant Classification Criteria Version 2. Collection method: clinical testing. Allele origin: germline. Affected: yes. Observed: 1 variant allele.
Comment: FERRY3: BP4, BP7

NM_020374.4(FERRY3):c.282T>C (p.Asp94=)

Gene: FERRY3 (FERRY endosomal RAB5 effector complex subunit 3; minus strand). Cytogenetic location: 12p13.32.
Variant type: single nucleotide variant.
Coding change: c.282T>C on transcript NM_020374.4 (MANE Select); coding-DNA position 282, T replaced by C.
Protein change: p.Asp94=; no amino-acid change (aspartic acid 94 retained).
Molecular consequence: synonymous variant. On other transcripts: 5 prime UTR variant (3), non-coding transcript variant (3).
Genome position (GRCh38, 1-based): chr12:4,534,199, A>G on the plus strand (T>C on the coding strand, the complement: FERRY3 is on the minus strand). VCF-style: chr12-4534199-A-G. GRCh37 (hg19) VCF-style: chr12-4643365-A-G.
Other names: c.282T>C, p.Asp94= (NM_001304811.2, NM_001346153.2, NM_001346155.2); c.-238T>C (NM_001346156.2, NM_001346157.2); c.-464T>C (NM_001352962.2).
Identifiers: ClinVar variation 4084720 (VCV004084720.8).
Genomic context (GRCh38, chr12:4,534,199, plus strand): 5'-TCTGACCTATTTTCTTACCTCAGCATAAGCTTTGGCCCATGTACTCGCCAGCTGATGTAA[A>G]TCTACTTCACCTGATTTCACAGCTGCCAGGGATGCTTCAGCATCTCTATCATAATCGCTG-3'
Protein context (NP_065107.1, residues 84-104): SLAAVKSGEV[Asp94=]LHQLASTWAK